The following is an entry in ClinVar:

NM_001276270.2(MBD4):c.1058T>C (p.Leu353Ser)

Gene: MBD4 (methyl-CpG binding domain 4, DNA glycosylase; minus strand). Cytogenetic location: 3q21.3.
Variant type: single nucleotide variant.
Coding change: c.1058T>C on transcript NM_001276270.2 (MANE Select); coding-DNA position 1058, T replaced by C.
Protein change: p.Leu353Ser; replaces leucine 353 with serine.
Molecular consequence: missense variant. On other transcripts: intron variant (1).
Genome position (GRCh38, 1-based): chr3:129,436,586, A>G on the plus strand (T>C on the coding strand, the complement: MBD4 is on the minus strand). VCF-style: chr3-129436586-A-G. GRCh37 (hg19) VCF-style: chr3-129155429-A-G.
Other names: c.1058T>C, p.Leu353Ser (NM_001276271.2, NM_001276272.2, NM_003925.3); c.247+1222T>C (NM_001276273.2); short protein forms L353S.
Identifiers: ClinVar variation 2802568 (VCV002802568.3), dbSNP rs2530718158, ClinGen allele CA354466647.

ClinVar aggregate classification (germline): Uncertain significance (1 of 4 stars; one submission).

Submission:

Labcorp Genetics (formerly Invitae), Labcorp
Classification: Uncertain significance. Last evaluated: 2023-12-08. Review status: criteria provided, single submitter. Criteria: Invitae Variant Classification Sherloc (09022015). Collection method: clinical testing. Allele origin: germline.
Comment: This sequence change replaces leucine, which is neutral and non-polar, with serine, which is neutral and polar, at codon 353 of the MBD4 protein (p.Leu353Ser). This variant is not present in population databases (gnomAD no frequency). This variant has not been reported in the literature in individuals affected with MBD4-related conditions. Algorithms developed to predict the effect of missense changes on protein structure and function output the following: SIFT: "Not Available"; PolyPhen-2: "Benign"; Align-GVGD: "Not Available". The serine amino acid residue is found in multiple mammalian species, which suggests that this missense change does not adversely affect protein function. In summary, the available evidence is currently insufficient to determine the role of this variant in disease. Therefore, it has been classified as a Variant of Uncertain Significance.